The following is an entry in ClinVar:

ClinVar aggregate classification (germline): Likely benign. Review status: criteria provided, single submitter (1 of 4 stars). 2 submissions from 2 submitters: Likely benign (1). 1 of the submissions does not count toward it. Last evaluated 2021-02-25.

Conditions:
D-2-hydroxyglutaric aciduria 1 (D2HGA1). Identifiers: Orphanet 79315, MedGen C3152055, MONDO:0024554, OMIM 600721.
D2HGDH-related disorder. Also called: D2HGDH-related condition.

Allele frequency attached by ClinVar (database versions not stated): gnomAD exomes 0.00002 and 0.00003; TOPMed 0.00002; gnomAD 0.00003; ExAC 0.00010; ESP Exome Variant Server 0.00015.
gnomAD v4.1: 33 of 1,607,442 alleles (0.0021%); highest among the groups gnomAD compares: Admixed American, 0.0051%; no homozygotes.

Submissions (2):

Labcorp Genetics (formerly Invitae), Labcorp
Classification: Likely benign for D-2-hydroxyglutaric aciduria 1. Last evaluated: 2021-02-25. Review status: criteria provided, single submitter. Criteria: Invitae Variant Classification Sherloc (09022015). Collection method: clinical testing. Allele origin: germline.

PreventionGenetics, part of Exact Sciences
Classification: Likely benign for D2HGDH-related condition. Last evaluated: 2023-06-23. Review status: no assertion criteria provided. Collection method: clinical testing. Allele origin: germline. Not counted in ClinVar's aggregate classification.
Comment: This variant is classified as likely benign based on ACMG/AMP sequence variant interpretation guidelines (Richards et al. 2015 PMID: 25741868, with internal and published modifications).

NM_152783.5(D2HGDH):c.351-8C>T

Gene: D2HGDH (D-2-hydroxyglutarate dehydrogenase; plus strand). Cytogenetic location: 2q37.3.
Variant type: single nucleotide variant.
Coding change: c.351-8C>T on transcript NM_152783.5 (MANE Select); 8 bases into the intron before coding-DNA position 351, C replaced by T.
Molecular consequence: intron variant.
Genome position (GRCh38, 1-based): chr2:241,742,427, C>T. VCF-style: chr2-241742427-C-T. GRCh37 (hg19) VCF-style: chr2-242681842-C-T.
Other names: c.-194-8C>T (NM_001352824.2); c.-52-8C>T (NM_001287249.2).
Identifiers: ClinVar variation 733048 (VCV000733048.11), dbSNP rs368141783, ClinGen allele CA2221624.